The following is an entry in ClinVar:

NM_002693.3(POLG):c.1850G>C (p.Arg617Pro)

Gene: POLG (DNA polymerase gamma, catalytic subunit; minus strand). Cytogenetic location: 15q26.1.
Variant type: single nucleotide variant.
Coding change: c.1850G>C on transcript NM_002693.3 (MANE Select); coding-DNA position 1850, G replaced by C.
Protein change: p.Arg617Pro; replaces arginine 617 with proline.
Molecular consequence: missense variant.
Genome position (GRCh38, 1-based): chr15:89,325,549, C>G on the plus strand (G>C on the coding strand, the complement: POLG is on the minus strand). VCF-style: chr15-89325549-C-G. GRCh37 (hg19) VCF-style: chr15-89868780-C-G.
Other names: c.1850G>C, p.Arg617Pro (NM_001126131.2); short protein forms R617P.
Identifiers: ClinVar variation 2427920 (VCV002427920.8), dbSNP rs779961986, ClinGen allele CA393759232.

ClinVar aggregate classification (germline): Uncertain significance (1 of 4 stars; one submission).

Conditions:
Progressive sclerosing poliodystrophy (MTDPS4A). Also called: NEURONAL DEGENERATION OF CHILDHOOD WITH LIVER DISEASE, PROGRESSIVE; ALPERS PROGRESSIVE INFANTILE POLIODYSTROPHY; Alpers-Huttenlocher Syndrome; Alpers Syndrome; ALPERS DIFFUSE DEGENERATION OF CEREBRAL GRAY MATTER WITH HEPATIC CIRRHOSIS; Mitochondrial DNA depletion syndrome 4A (Alpers type). Identifiers: Orphanet 726, MedGen C0205710, MONDO:0008758, OMIM 203700.

Submission:

Labcorp Genetics (formerly Invitae), Labcorp
Classification: Uncertain significance for Progressive sclerosing poliodystrophy. Last evaluated: 2025-09-15. Review status: criteria provided, single submitter. Criteria: Invitae Variant Classification Sherloc (09022015). Collection method: clinical testing. Allele origin: germline.
Comment: This sequence change replaces arginine, which is basic and polar, with proline, which is neutral and non-polar, at codon 617 of the POLG protein (p.Arg617Pro). This variant is not present in population databases (gnomAD no frequency). This variant has not been reported in the literature in individuals affected with POLG-related conditions. ClinVar contains an entry for this variant (Variation ID: 2427920). Invitae Evidence Modeling of protein sequence and biophysical properties (such as structural, functional, and spatial information, amino acid conservation, physicochemical variation, residue mobility, and thermodynamic stability) indicates that this missense variant is not expected to disrupt POLG protein function with a negative predictive value of 95%. In summary, the available evidence is currently insufficient to determine the role of this variant in disease. Therefore, it has been classified as a Variant of Uncertain Significance.